The following is an entry in ClinVar:

ClinVar aggregate classification (germline): Uncertain significance (1 of 4 stars; one submission).

gnomAD v4.1: 2 of 1,614,202 alleles (0.00012%); highest among the groups gnomAD compares: Non-Finnish European, 0.00017%; no homozygotes.

Submission:

GeneDx
Classification: Uncertain significance. Last evaluated: 2024-12-09. Review status: criteria provided, single submitter. Criteria: GeneDx Variant Classification Process June 2021. Collection method: clinical testing. Allele origin: germline. Affected: yes.
Comment: Has not been previously published as pathogenic or benign to our knowledge; Not observed at significant frequency in large population cohorts (gnomAD); In silico analysis indicates that this missense variant does not alter protein structure/function

NM_001366145.2(TRPM3):c.4933G>A (p.Glu1645Lys)

Genes: KLF9-DT (KLF9 divergent transcript; plus strand), TRPM3 (transient receptor potential cation channel subfamily M member 3; minus strand). Cytogenetic location: 9q21.12.
Variant type: single nucleotide variant.
Coding change: c.4933G>A on transcript NM_001366145.2 (MANE Select); coding-DNA position 4933, G replaced by A.
Protein change: p.Glu1645Lys; replaces glutamic acid 1645 with lysine.
Molecular consequence: missense variant. On other transcripts: intron variant (8).
Genome position (GRCh38, 1-based): chr9:70,536,180, C>T on the plus strand (G>A on the coding strand, the complement: TRPM3 is on the minus strand). VCF-style: chr9-70536180-C-T. GRCh37 (hg19) VCF-style: chr9-73151096-C-T.
Other names: c.4897G>A, p.Glu1633Lys (NM_001007471.4); c.4903G>A, p.Glu1635Lys (NM_001366141.2, NM_001366149.2); c.5008G>A, p.Glu1670Lys (NM_001366147.2); c.4438G>A, p.Glu1480Lys (NM_020952.6); c.4474G>A, p.Glu1492Lys (NM_024971.7); c.4408G>A, p.Glu1470Lys (NM_206944.5); c.4444G>A, p.Glu1482Lys (NM_206945.5); c.4513G>A, p.Glu1505Lys (NM_206946.5); and 9 more; short protein forms E1470K, E1480K, E1482K, E1492K, E1495K, E1505K, E1633K, E1635K.
Identifiers: ClinVar variation 3373241 (VCV003373241.2).